The following is an entry in ClinVar:

NC_012920.1(MT-ND5):m.12340A>G

Gene: MT-ND5 (mitochondrially encoded NADH dehydrogenase 5; plus strand).
Variant type: single nucleotide variant.
Genome position: chrM-12340-A-G.
Identifiers: ClinVar variation 693419 (VCV000693419.1), dbSNP rs28490236, ClinGen allele CA337099449.

ClinVar aggregate classification (germline): Likely benign (1 of 4 stars; one submission).

Conditions:
Leigh syndrome (NULS). Also called: Leigh's necrotizing encephalopathy; Leigh's disease; Leigh Syndrome (mtDNA deletion); Leigh Disease; Subacute necrotizing encephalopathy; Necrotizing encephalopathy infantile subacute of Leigh. Identifiers: Orphanet 506, MedGen C2931891, MONDO:0009723, OMIM 256000.

Submission:

Wong Mito Lab, Molecular and Human Genetics, Baylor College of Medicine
Classification: Likely benign for Leigh syndrome. Last evaluated: 2019-10-17. Review status: criteria provided, single submitter. Criteria: Modified ACMG Guidelines (Unpublished). Collection method: clinical testing. Allele origin: germline.
Comment: The NC_012920.1:m.12340A>G (YP_003024036.1:p.Thr2Ala) variant in MTND5 gene is interpretated to be a Likely Benign variant based on the modified ACMG guidelines (unpublished). This variant meets the following evidence codes: BS1, BP4